The following is an entry in ClinVar:

ClinVar aggregate classification (germline): Uncertain significance. Review status: criteria provided, multiple submitters, no conflicts (2 of 4 stars). 3 submissions from 3 submitters: Uncertain significance (3). Last evaluated 2025-12-08.

Conditions:
Inborn genetic diseases. Identifiers: MedGen C0950123, MeSH D030342.
Joubert syndrome 3 (JBTS3). Also called: AHI1-related Ciliopathy. Identifiers: Orphanet 220493, MedGen C1837713, MONDO:0012078, OMIM 608629.
Joubert syndrome. Also called: CEREBELLOPARENCHYMAL DISORDER IV; JOUBERT-BOLTSHAUSER SYNDROME; Familial aplasia of the vermis. Identifiers: Orphanet 475, MedGen C5979921, MONDO:0018772.

gnomAD v4.1: 46 of 1,590,356 alleles (0.0029%); highest among the groups gnomAD compares: South Asian, 0.007%; no homozygotes.

Submissions (3):

Labcorp Genetics (formerly Invitae), Labcorp
Classification: Uncertain significance for Joubert syndrome. Last evaluated: 2025-12-08. Review status: criteria provided, single submitter. Criteria: Invitae Variant Classification Sherloc (09022015). Collection method: clinical testing. Allele origin: germline.
Comment: This sequence change replaces arginine, which is basic and polar, with cysteine, which is neutral and slightly polar, at codon 814 of the AHI1 protein (p.Arg814Cys). The frequency data for this variant in the population databases is considered unreliable, as metrics indicate poor data quality at this position in the gnomAD database. This variant has not been reported in the literature in individuals affected with AHI1-related conditions. ClinVar contains an entry for this variant (Variation ID: 3593144). Invitae Evidence Modeling of protein sequence and biophysical properties (such as structural, functional, and spatial information, amino acid conservation, physicochemical variation, residue mobility, and thermodynamic stability) indicates that this missense variant is not expected to disrupt AHI1 protein function with a negative predictive value of 80%. Algorithms developed to predict the effect of sequence changes on RNA splicing suggest that this variant may disrupt the consensus splice site. In summary, the available evidence is currently insufficient to determine the role of this variant in disease. Therefore, it has been classified as a Variant of Uncertain Significance.

Ambry Genetics
Classification: Uncertain significance for Inborn genetic diseases. Last evaluated: 2025-03-14. Review status: criteria provided, single submitter. Criteria: Ambry Variant Classification Scheme 2023. Collection method: clinical testing. Allele origin: germline.

Fulgent Genetics
Classification: Uncertain significance for Joubert syndrome 3. Last evaluated: 2024-05-14. Review status: criteria provided, single submitter. Criteria: ACMG Guidelines, 2015. Collection method: clinical testing. Allele origin: germline.

NM_001134831.2(AHI1):c.2440C>T (p.Arg814Cys)

Gene: AHI1 (Abelson helper integration site 1; minus strand). Cytogenetic location: 6q23.3.
Variant type: single nucleotide variant.
Coding change: c.2440C>T on transcript NM_001134831.2 (MANE Select); coding-DNA position 2440, C replaced by T.
Protein change: p.Arg814Cys; replaces arginine 814 with cysteine.
Molecular consequence: missense variant.
Genome position (GRCh38, 1-based): chr6:135,429,934, G>A on the plus strand (C>T on the coding strand, the complement: AHI1 is on the minus strand). VCF-style: chr6-135429934-G-A. GRCh37 (hg19) VCF-style: chr6-135751072-G-A.
Other names: c.2440C>T, p.Arg814Cys (NM_001134830.2, NM_001134832.2, NM_001350503.2 and 2 more transcripts); c.2440C>T (NM_017651.4); short protein forms R814C.
Identifiers: ClinVar variation 3593144 (VCV003593144.3).